The following is an entry in ClinVar:

NM_005732.4(RAD50):c.2456T>G (p.Ile819Arg)

Gene: RAD50 (RAD50 double strand break repair protein; plus strand). Cytogenetic location: 5q31.1.
Variant type: single nucleotide variant.
Coding change: c.2456T>G on transcript NM_005732.4 (MANE Select); coding-DNA position 2456, T replaced by G.
Protein change: p.Ile819Arg; replaces isoleucine 819 with arginine.
Molecular consequence: missense variant.
Genome position (GRCh38, 1-based): chr5:132,603,978, T>G. VCF-style: chr5-132603978-T-G. GRCh37 (hg19) VCF-style: chr5-131939670-T-G.
Other names: short protein forms I819R.
Identifiers: ClinVar variation 858040 (VCV000858040.10), dbSNP rs1750934320, ClinGen allele CA360955598.

ClinVar aggregate classification (germline): Uncertain significance (1 of 4 stars; one submission).

Conditions:
Hereditary cancer-predisposing syndrome. Also called: Tumor predisposition; Hereditary neoplastic syndrome; Neoplastic Syndromes, Hereditary; Hereditary Cancer Syndrome. Identifiers: Orphanet 140162, MedGen C0027672, MeSH D009386, MONDO:0015356.

Submission:

Labcorp Genetics (formerly Invitae), Labcorp
Classification: Uncertain significance for Hereditary cancer-predisposing syndrome. Last evaluated: 2019-05-22. Review status: criteria provided, single submitter. Criteria: Invitae Variant Classification Sherloc (09022015). Collection method: clinical testing. Allele origin: germline.
Comment: In summary, the available evidence is currently insufficient to determine the role of this variant in disease. Therefore, it has been classified as a Variant of Uncertain Significance. Algorithms developed to predict the effect of missense changes on protein structure and function (SIFT, PolyPhen-2, Align-GVGD) all suggest that this variant is likely to be tolerated, but these predictions have not been confirmed by published functional studies and their clinical significance is uncertain. This variant has not been reported in the literature in individuals with RAD50-related conditions. This variant is not present in population databases (ExAC no frequency). This sequence change replaces isoleucine with arginine at codon 819 of the RAD50 protein (p.Ile819Arg). The isoleucine residue is weakly conserved and there is a moderate physicochemical difference between isoleucine and arginine.